The following is an entry in ClinVar:

ClinVar aggregate classification (germline): Uncertain significance (1 of 4 stars; one submission).

Submission:

Labcorp Genetics (formerly Invitae), Labcorp
Classification: Uncertain significance. Last evaluated: 2025-01-19. Review status: criteria provided, single submitter. Criteria: Invitae Variant Classification Sherloc (09022015). Collection method: clinical testing. Allele origin: germline.
Comment: This sequence change replaces cysteine, which is neutral and slightly polar, with serine, which is neutral and polar, at codon 488 of the GRIN2D protein (p.Cys488Ser). This variant is not present in population databases (gnomAD no frequency). This variant has not been reported in the literature in individuals affected with GRIN2D-related conditions. Invitae Evidence Modeling of protein sequence and biophysical properties (such as structural, functional, and spatial information, amino acid conservation, physicochemical variation, residue mobility, and thermodynamic stability) indicates that this missense variant is not expected to disrupt GRIN2D protein function with a negative predictive value of 80%. In summary, the available evidence is currently insufficient to determine the role of this variant in disease. Therefore, it has been classified as a Variant of Uncertain Significance.

NM_000836.4(GRIN2D):c.1463G>C (p.Cys488Ser)

Gene: GRIN2D (glutamate ionotropic receptor NMDA type subunit 2D; plus strand). Cytogenetic location: 19q13.33.
Variant type: single nucleotide variant.
Coding change: c.1463G>C on transcript NM_000836.4 (MANE Select); coding-DNA position 1463, G replaced by C.
Protein change: p.Cys488Ser; replaces cysteine 488 with serine.
Molecular consequence: missense variant.
Genome position (GRCh38, 1-based): chr19:48,414,914, G>C. VCF-style: chr19-48414914-G-C. GRCh37 (hg19) VCF-style: chr19-48918171-G-C.
Other names: short protein forms C488S.
Identifiers: ClinVar variation 3631386 (VCV003631386.2).
Genomic context (GRCh38, chr19:48,414,914, plus strand): 5'-CTGCCCGCAGCCCTCCACCGGATGCCCCCCGCCCGGAAAAGCGCTGCTGCAAGGGTTTCT[G>C]CATCGACATTCTGAAGCGGCTGGCGCATACCATCGGCTTCAGCTACGACCTCTACCTGGT-3'
Protein context (NP_000827.2, residues 478-498): RPEKRCCKGF[Cys488Ser]IDILKRLAHT